The following is an entry in ClinVar:

NM_006346.4(PIBF1):c.1717C>T (p.Arg573Ter)

Gene: PIBF1 (progesterone immunomodulatory binding factor 1; plus strand). Cytogenetic location: 13q22.1.
Variant type: single nucleotide variant.
Coding change: c.1717C>T on transcript NM_006346.4 (MANE Select); coding-DNA position 1717, C replaced by T.
Protein change: p.Arg573Ter; replaces arginine 573 with a stop codon.
Molecular consequence: nonsense. On other transcripts: non-coding transcript variant (2).
Genome position (GRCh38, 1-based): chr13:72,917,153, C>T. VCF-style: chr13-72917153-C-T. GRCh37 (hg19) VCF-style: chr13-73491291-C-T.
Other names: c.1804C>T, p.Arg602Ter (NM_001349655.2); short protein forms R573*, R602*.
Identifiers: ClinVar variation 3899709 (VCV003899709.1).

ClinVar aggregate classification (germline): Uncertain significance (1 of 4 stars; one submission).

gnomAD v4.1: 19 of 1,576,948 alleles (0.0012%); highest among the groups gnomAD compares: African/African-American, 0.0041%; no homozygotes.

Submission:

GeneDx
Classification: Uncertain significance. Last evaluated: 2024-11-15. Review status: criteria provided, single submitter. Criteria: GeneDx Variant Classification Process June 2021. Collection method: clinical testing. Allele origin: germline. Affected: yes.
Comment: Nonsense variant predicted to result in protein truncation or nonsense mediated decay in a gene or region of a gene for which loss of function is not a well-established mechanism of disease; Has not been previously published as pathogenic or benign to our knowledge